The following is an entry in ClinVar:

ClinVar aggregate classification (germline): Uncertain significance. Review status: criteria provided, multiple submitters, no conflicts (2 of 4 stars). 5 submissions from 5 submitters: Uncertain significance (5). Last evaluated 2025-05-30.

Conditions:
Inborn genetic diseases. Identifiers: MedGen C0950123, MeSH D030342.
Developmental and epileptic encephalopathy, 18 (DEE18). Also called: Early infantile epileptic encephalopathy 18. Identifiers: Orphanet 369894, MedGen C3809624, MONDO:0014201, OMIM 615476.

Allele frequency attached by ClinVar (database versions not stated): TOPMed 0.00006.
gnomAD v4.1: 207 of 1,614,084 alleles (0.013%); highest among the groups gnomAD compares: Non-Finnish European, 0.016%; 1 homozygote.

Submissions (5):

Ambry Genetics
Classification: Uncertain significance for Inborn genetic diseases. Last evaluated: 2025-05-30. Review status: criteria provided, single submitter. Criteria: Ambry Variant Classification Scheme 2023. Collection method: clinical testing. Allele origin: germline.

GeneDx
Classification: Uncertain significance. Last evaluated: 2024-10-03. Review status: criteria provided, single submitter. Criteria: GeneDx Variant Classification Process June 2021. Collection method: clinical testing. Allele origin: germline. Affected: yes.
Comment: Has not been previously published as pathogenic or benign to our knowledge; Not observed at significant frequency in large population cohorts (gnomAD); In silico analysis indicates that this missense variant does not alter protein structure/function

Genome-Nilou Lab
Classification: Uncertain significance for Developmental and epileptic encephalopathy, 18. Last evaluated: 2023-04-11. Review status: criteria provided, single submitter. Criteria: ACMG Guidelines, 2015. Collection method: clinical testing. Allele origin: germline. Affected: no.

Labcorp Genetics (formerly Invitae), Labcorp
Classification: Uncertain significance. Last evaluated: 2022-06-20. Review status: criteria provided, single submitter. Criteria: Invitae Variant Classification Sherloc (09022015). Collection method: clinical testing. Allele origin: germline.
Comment: This sequence change replaces proline, which is neutral and non-polar, with leucine, which is neutral and non-polar, at codon 2808 of the SZT2 protein (p.Pro2808Leu). This variant is present in population databases (rs374031590, gnomAD 0.004%). This variant has not been reported in the literature in individuals affected with SZT2-related conditions. ClinVar contains an entry for this variant (Variation ID: 411942). Algorithms developed to predict the effect of missense changes on protein structure and function are either unavailable or do not agree on the potential impact of this missense change (SIFT: "Deleterious"; PolyPhen-2: "Benign"; Align-GVGD: "Class C35"). In summary, the available evidence is currently insufficient to determine the role of this variant in disease. Therefore, it has been classified as a Variant of Uncertain Significance.

Genetic Services Laboratory, University of Chicago
Classification: Uncertain significance. Last evaluated: 2016-11-28. Review status: criteria provided, single submitter. Criteria: ACMG Guidelines, 2015. Collection method: clinical testing. Allele origin: germline. Affected: no.

NM_001365999.1(SZT2):c.8594C>T (p.Pro2865Leu)

Gene: SZT2 (SZT2 subunit of KICSTOR complex; plus strand). Cytogenetic location: 1p34.2.
Variant type: single nucleotide variant.
Coding change: c.8594C>T on transcript NM_001365999.1 (MANE Select); coding-DNA position 8594, C replaced by T.
Protein change: p.Pro2865Leu; replaces proline 2865 with leucine.
Molecular consequence: missense variant.
Genome position (GRCh38, 1-based): chr1:43,443,446, C>T. VCF-style: chr1-43443446-C-T. GRCh37 (hg19) VCF-style: chr1-43909117-C-T.
Other names: c.8423C>T, p.Pro2808Leu (NM_015284.4); short protein forms P2808L, P2865L.
Identifiers: ClinVar variation 411942 (VCV000411942.19), dbSNP rs374031590, ClinGen allele CA810607.